The following is an entry in ClinVar:

NM_004544.4(NDUFA10):c.404T>C (p.Leu135Ser)

Gene: NDUFA10 (NADH:ubiquinone oxidoreductase subunit A10; minus strand). Cytogenetic location: 2q37.3.
Variant type: single nucleotide variant.
Coding change: c.404T>C on transcript NM_004544.4 (MANE Select); coding-DNA position 404, T replaced by C.
Protein change: p.Leu135Ser; replaces leucine 135 with serine.
Molecular consequence: missense variant. On other transcripts: non-coding transcript variant (4).
Genome position (GRCh38, 1-based): chr2:240,021,253, A>G on the plus strand (T>C on the coding strand, the complement: NDUFA10 is on the minus strand). VCF-style: chr2-240021253-A-G. GRCh37 (hg19) VCF-style: chr2-240960670-A-G.
Other names: p.L135S:TTG>TCG; c.404T>C, p.Leu135Ser (NM_001322019.2, NM_001322020.2); short protein forms L135S.
Identifiers: ClinVar variation 214708 (VCV000214708.21), dbSNP rs140776586, ClinGen allele CA325234.

ClinVar aggregate classification (germline): Conflicting classifications of pathogenicity. Review status: criteria provided, conflicting classifications (1 of 4 stars). 8 submissions from 7 submitters: Uncertain significance (3); Likely benign (4). 1 of the submissions does not count toward it. Last evaluated 2026-05-01.

Conditions:
NDUFA10-related disorder. Also called: NDUFA10-related condition.
Mitochondrial complex I deficiency, nuclear type 1. Also called: NADH-COENZYME Q REDUCTASE DEFICIENCY; MITOCHONDRIAL NADH DEHYDROGENASE COMPONENT OF COMPLEX I, DEFICIENCY OF. Identifiers: MedGen C6022305, MONDO:0100224, OMIM 252010.
Mitochondrial complex I deficiency, nuclear type 22. Also called: Mitochondrial complex 1 deficiency, nuclear type 22. Identifiers: MedGen C4748796, MONDO:0032626, OMIM 618243.
Leigh syndrome (NULS). Also called: LEIGH SYNDROME, NUCLEAR; Leigh Syndrome (mtDNA deletion); Leigh's necrotizing encephalopathy; Leigh's disease; Leigh's syndrome; Subacute necrotizing encephalopathy. Identifiers: Orphanet 506, MedGen C2931891, MONDO:0009723, OMIM 256000.

Allele frequency attached by ClinVar (database versions not stated): ESP Exome Variant Server 0.00008; gnomAD 0.00020 and 0.00035; TOPMed 0.00036; gnomAD exomes 0.00047 and 0.00051; ExAC 0.00057; 1000 Genomes Project 0.00140; 1000 Genomes Project 30x 0.00141.
gnomAD v4.1: 730 of 1,614,220 alleles (0.045%); highest among the groups gnomAD compares: East Asian, 1.3%; 3 homozygotes.

Submissions (8):

CeGaT Center for Human Genetics Tuebingen
Classification: Likely benign. Last evaluated: 2026-05-01. Review status: criteria provided, single submitter. Criteria: CeGaT Center For Human Genetics Tuebingen Variant Classification Criteria Version 2. Collection method: clinical testing. Allele origin: germline. Affected: yes. Observed: 1 variant allele.
Comment: NDUFA10: BS1

Women's Health and Genetics/Laboratory Corporation of America, LabCorp
Classification: Likely benign. Last evaluated: 2026-02-17. Review status: criteria provided, single submitter. Criteria: LabCorp Variant Classification Summary - May 2015. Collection method: clinical testing. Allele origin: germline.
Comment: Variant summary: NDUFA10 c.404T>C (p.Leu135Ser) results in a non-conservative amino acid change in the encoded protein sequence. Algorithms developed to predict the effect of missense changes on protein structure and function all suggest that this variant is likely to be disruptive. The variant allele was found at a frequency of 0.00051 in 251440 control chromosomes, predominantly at a frequency of 0.0059 within the East Asian subpopulation in the gnomAD database. The observed variant frequency within East Asian control individuals in the gnomAD database exceeds the estimated maximal expected allele frequency for disease-causing variants in NDUFA10. To our knowledge, no occurrence of c.404T>C in individuals affected with NDUFA10-related conditions and no experimental evidence demonstrating its impact on protein function have been reported. ClinVar contains an entry for this variant (Variation ID: 214708). Based on the evidence outlined above, the variant was classified as likely benign.

Labcorp Genetics (formerly Invitae), Labcorp
Classification: Likely benign. Last evaluated: 2025-12-31. Review status: criteria provided, single submitter. Criteria: Invitae Variant Classification Sherloc (09022015). Collection method: clinical testing. Allele origin: germline.

GeneDx
Classification: Uncertain significance. Last evaluated: 2024-12-11. Review status: criteria provided, single submitter. Criteria: GeneDx Variant Classification Process June 2021. Collection method: clinical testing. Allele origin: germline. Affected: yes.
Comment: In silico analysis supports that this missense variant has a deleterious effect on protein structure/function; This variant is associated with the following publications: (PMID: 36689859)

Victorian Clinical Genetics Services, Murdoch Childrens Research Institute
Classification: Uncertain significance for Mitochondrial complex I deficiency, nuclear type 22. Last evaluated: 2020-10-19. Review status: criteria provided, single submitter. Criteria: ACMG Guidelines, 2015. Collection method: clinical testing. Allele origin: germline. Inheritance: Autosomal recessive inheritance. Affected: yes.
Comment: Based on the classification scheme VCGS_Germline_v1.3.3, this variant is classified as 3B-VUS. Following criteria are met: 0102 - Loss of function is a known mechanism of disease in this gene and is associated with mitochondrial complex I deficiency, nuclear type 22 (MIM#618243). (I) 0106 - This gene is associated with autosomal recessive disease. (I) 0200 - Variant is predicted to result in a missense amino acid change from leucine to serine. (I) 0251 - This variant is heterozygous. (I) 0304 - Variant is present in gnomAD (v2) <0.01 for a recessive condition (138 heterozygotes, 0 homozygotes). (SP) 0501 - Missense variant consistently predicted to be damaging by multiple in silico tools or highly conserved with a major amino acid change. (SP) 0600 - Variant is located in the annotated deoxynucleoside kinase domain (PDB). (I) 0705 - No comparable missense variants have previous evidence for pathogenicity. (I) 0808 - Previous reports of pathogenicity for this variant are conflicting. The variant has previously been reported as both a VUS, in relation to mitochondrial complex I deficiency, nuclear type 22 (MIM#618243), and as likely benign for Leigh syndrome (ClinVar, LOVD). (I) 0905 - No published segregation evidence has been identified for this variant. (I) 1007 - No published functional evidence has been identified for this variant. (I) 1208 - Inheritance information for this variant is not currently available in this individual. (I) Legend: (SP) - Supporting pathogenic, (I) - Information, (SB) - Supporting benign

Illumina Laboratory Services, Illumina
Classification: Likely benign for Leigh syndrome. Last evaluated: 2017-04-27. Review status: criteria provided, single submitter. Criteria: ICSL Variant Classification Criteria 13 December 2019. Collection method: clinical testing. Allele origin: germline.
Comment: This variant was observed as part of a predisposition screen in an ostensibly healthy population. A literature search was performed for the gene, cDNA change, and amino acid change (where applicable). No publications were found based on this search. Allele frequency data from public databases allowed determination this variant is unlikely to cause disease. Therefore, this variant is classified as likely benign.

Illumina Laboratory Services, Illumina
Classification: Uncertain significance for Mitochondrial complex I deficiency, nuclear type 1. Last evaluated: 2017-04-27. Review status: criteria provided, single submitter. Criteria: ICSL Variant Classification Criteria 13 December 2019. Collection method: clinical testing. Allele origin: germline.

PreventionGenetics, part of Exact Sciences
Classification: Likely benign for NDUFA10-related condition. Last evaluated: 2020-04-20. Review status: no assertion criteria provided. Collection method: clinical testing. Allele origin: germline. Not counted in ClinVar's aggregate classification.
Comment: This variant is classified as likely benign based on ACMG/AMP sequence variant interpretation guidelines (Richards et al. 2015 PMID: 25741868, with internal and published modifications).